The following is an entry in ClinVar:

NM_001244008.2(KIF1A):c.815A>G (p.Asn272Ser)

Gene: KIF1A (kinesin family member 1A; minus strand). Cytogenetic location: 2q37.3.
Variant type: single nucleotide variant.
Coding change: c.815A>G on transcript NM_001244008.2 (MANE Select); coding-DNA position 815, A replaced by G.
Protein change: p.Asn272Ser; replaces asparagine 272 with serine.
Molecular consequence: missense variant.
Genome position (GRCh38, 1-based): chr2:240,783,093, T>C on the plus strand (A>G on the coding strand, the complement: KIF1A is on the minus strand). VCF-style: chr2-240783093-T-C. GRCh37 (hg19) VCF-style: chr2-241722510-T-C.
Other names: c.815A>G, p.Asn272Ser (NM_001320705.2, NM_001330289.2, NM_001330290.2 and 20 more transcripts); short protein forms N272S.
Identifiers: ClinVar variation 234899 (VCV000234899.10), dbSNP rs876661283, ClinGen allele CA10577247.

ClinVar aggregate classification (germline): Pathogenic/Likely pathogenic. Review status: criteria provided, multiple submitters, no conflicts (2 of 4 stars). 2 submissions from 2 submitters: Pathogenic (1); Likely pathogenic (1). Last evaluated 2022-06-14.

Conditions:
Hereditary spastic paraplegia 30. Identifiers: Orphanet 101010, MedGen C5235139, MONDO:0012476.
Neuropathy, hereditary sensory, type 2C. Also called: Hereditary sensory and autonomic neuropathy type IIC; KIF1A-Related HSAN2 (HSAN2C). Identifiers: Orphanet 970, MedGen C3280168, MONDO:0013634, OMIM 614213.
Intellectual disability, autosomal dominant 9 (NESCAVS). Also called: KIF1A-Related Neurodevelopmental Disorder; NESCAV SYNDROME. Identifiers: Orphanet 662367, MedGen C5393830, MONDO:0013656, OMIM 614255.

Submissions (2):

Labcorp Genetics (formerly Invitae), Labcorp
Classification: Pathogenic for Hereditary spastic paraplegia 30; Neuropathy, hereditary sensory, type 2C; Intellectual disability, autosomal dominant 9. Last evaluated: 2022-06-14. Review status: criteria provided, single submitter. Criteria: Invitae Variant Classification Sherloc (09022015). Collection method: clinical testing. Allele origin: germline.
Comment: For these reasons, this variant has been classified as Pathogenic. Advanced modeling of protein sequence and biophysical properties (such as structural, functional, and spatial information, amino acid conservation, physicochemical variation, residue mobility, and thermodynamic stability) performed at Invitae indicates that this missense variant is expected to disrupt KIF1A protein function. ClinVar contains an entry for this variant (Variation ID: 234899). This missense change has been observed in individual(s) with clinical features of KIF1A-related conditions (PMID: 33880452; Invitae). In at least one individual the variant was observed to be de novo. This variant is not present in population databases (gnomAD no frequency). This sequence change replaces asparagine, which is neutral and polar, with serine, which is neutral and polar, at codon 272 of the KIF1A protein (p.Asn272Ser).

GeneDx
Classification: Likely pathogenic. Last evaluated: 2016-03-25. Review status: criteria provided, single submitter. Criteria: GeneDx Variant Classification (06012015). Collection method: clinical testing. Allele origin: germline. Affected: yes.
Comment: The N272S variant in the KIF1A gene has not been reported previously as a pathogenic variant, nor as a benign variant, to our knowledge. The N272S variant was not observed in approximately 6,200 individuals of European and African American ancestry in the NHLBI Exome Sequencing Project, indicating it is not a common benign variant in these populations. The N272S variant is a conservative amino acid substitution, which occurs at a position that is conserved across species. In silico analysis is inconsistent in its predictions as to whether or not the variant is damaging to the protein structure/function. The N272S variant is a strong candidate for a pathogenic variant, however, the possibility it may be a rare benign variant cannot be excluded.

Literature cited by the submitters: PubMed 33880452 (cited by Labcorp Genetics (formerly Invitae), Labcorp).